The following is an entry in ClinVar:

ClinVar aggregate classification (germline): Uncertain significance (1 of 4 stars; one submission).

Conditions:
Inborn genetic diseases. Identifiers: MedGen C0950123, MeSH D030342.

Submission:

Ambry Genetics
Classification: Uncertain significance for Inborn genetic diseases. Last evaluated: 2026-05-17. Review status: criteria provided, single submitter. Criteria: Ambry Variant Classification Scheme 2023. Collection method: clinical testing. Allele origin: germline.
Comment: The p.T683I variant (also known as c.2048C>T), located in coding exon 13 of the ASXL1 gene, results from a C to T substitution at nucleotide position 2048. The threonine at codon 683 is replaced by isoleucine, an amino acid with similar properties. This amino acid position is conserved. In addition, this alteration is predicted to be tolerated by in silico analysis. Based on the available evidence, the clinical significance of this variant remains unclear.

NM_015338.6(ASXL1):c.2048C>T (p.Thr683Ile)

Gene: ASXL1 (ASXL transcriptional regulator 1; plus strand). Cytogenetic location: 20q11.21.
Variant type: single nucleotide variant.
Coding change: c.2048C>T on transcript NM_015338.6 (MANE Select); coding-DNA position 2048, C replaced by T.
Protein change: p.Thr683Ile; replaces threonine 683 with isoleucine.
Molecular consequence: missense variant.
Genome position (GRCh38, 1-based): chr20:32,434,760, C>T. VCF-style: chr20-32434760-C-T. GRCh37 (hg19) VCF-style: chr20-31022563-C-T.
Other names: c.1865C>T, p.Thr622Ile (NM_001363734.1); short protein forms T622I, T683I.
Identifiers: ClinVar variation 4864676 (VCV004864676.1).